The following is an entry in ClinVar:

NM_000875.5(IGF1R):c.1351A>T (p.Asn451Tyr)

Gene: IGF1R (insulin like growth factor 1 receptor; plus strand). Cytogenetic location: 15q26.3.
Variant type: single nucleotide variant.
Coding change: c.1351A>T on transcript NM_000875.5 (MANE Select); coding-DNA position 1351, A replaced by T.
Protein change: p.Asn451Tyr; replaces asparagine 451 with tyrosine.
Molecular consequence: missense variant.
Genome position (GRCh38, 1-based): chr15:98,908,788, A>T. VCF-style: chr15-98908788-A-T. GRCh37 (hg19) VCF-style: chr15-99452017-A-T.
Other names: c.1351A>T, p.Asn451Tyr (NM_001291858.2); short protein forms N451Y.
Identifiers: ClinVar variation 3731161 (VCV003731161.1).

ClinVar aggregate classification (germline): Uncertain significance (1 of 4 stars; one submission).

Submission:

GeneDx
Classification: Uncertain significance. Last evaluated: 2024-08-14. Review status: criteria provided, single submitter. Criteria: GeneDx Variant Classification Process June 2021. Collection method: clinical testing. Allele origin: germline. Affected: yes.
Comment: Not observed at significant frequency in large population cohorts (gnomAD); In silico analysis supports that this missense variant has a deleterious effect on protein structure/function; Has not been previously published as pathogenic or benign to our knowledge